The following is an entry in ClinVar:

ClinVar aggregate classification (germline): Uncertain significance (1 of 4 stars; one submission).

Conditions:
Inborn genetic diseases. Identifiers: MedGen C0950123, MeSH D030342.

Submission:

Ambry Genetics
Classification: Uncertain significance for Inborn genetic diseases. Last evaluated: 2025-11-19. Review status: criteria provided, single submitter. Criteria: Ambry Variant Classification Scheme 2023. Collection method: clinical testing. Allele origin: germline.
Comment: The p.I1011M variant (also known as c.3033T>G), located in coding exon 14 of the FANCM gene, results from a T to G substitution at nucleotide position 3033. The isoleucine at codon 1011 is replaced by methionine, an amino acid with highly similar properties. This amino acid position is conserved. In addition, this alteration is predicted to be tolerated by in silico analysis. Based on the available evidence, the clinical significance of this variant remains unclear.

NM_020937.4(FANCM):c.3033T>G (p.Ile1011Met)

Gene: FANCM (FA complementation group M; plus strand). Cytogenetic location: 14q21.2.
Variant type: single nucleotide variant.
Coding change: c.3033T>G on transcript NM_020937.4 (MANE Select); coding-DNA position 3033, T replaced by G.
Protein change: p.Ile1011Met; replaces isoleucine 1011 with methionine.
Molecular consequence: missense variant.
Genome position (GRCh38, 1-based): chr14:45,175,787, T>G. VCF-style: chr14-45175787-T-G. GRCh37 (hg19) VCF-style: chr14-45644990-T-G.
Other names: c.2955T>G, p.Ile985Met (NM_001308133.2); short protein forms I985M, I1011M.
Identifiers: ClinVar variation 4619599 (VCV004619599.1).